The following is an entry in ClinVar:

NM_138387.4(G6PC3):c.173T>C (p.Leu58Pro)

Genes: G6PC3 (glucose-6-phosphatase catalytic subunit 3; plus strand), LOC130060959 (ATAC-STARR-seq lymphoblastoid active region 12250; plus strand). Cytogenetic location: 17q21.31.
Variant type: single nucleotide variant.
Coding change: c.173T>C on transcript NM_138387.4 (MANE Select); coding-DNA position 173, T replaced by C.
Protein change: p.Leu58Pro; replaces leucine 58 with proline.
Molecular consequence: missense variant. On other transcripts: 5 prime UTR variant (3), intron variant (1).
Genome position (GRCh38, 1-based): chr17:44,071,138, T>C. VCF-style: chr17-44071138-T-C. GRCh37 (hg19) VCF-style: chr17-42148506-T-C.
Other names: c.173T>C, p.Leu58Pro (NM_001319945.2); c.-232T>C (NM_001384165.1); c.-367T>C (NM_001384166.1); c.-357T>C (NM_001384167.1); c.-312+424T>C (NM_001384168.1); short protein forms L58P.
Identifiers: ClinVar variation 4260976 (VCV004260976.1).
Genomic context (GRCh38, chr17:44,071,138, plus strand): 5'-TCTTTCTGTTCTACTTCCCCGCGGCCTACTACGCCTCCCGCCGTGTGGGCATCGCGGTGC[T>C]CTGGATCAGCCTCATCACCGAGTGGCTCAACCTCATCTTCAAGTGGTGAGACAGAGAAGC-3'
Protein context (NP_612396.1, residues 48-68): YASRRVGIAV[Leu58Pro]WISLITEWLN

ClinVar aggregate classification (germline): Uncertain significance (1 of 4 stars; one submission).

Conditions:
Inborn genetic diseases. Identifiers: MedGen C0950123, MeSH D030342.

gnomAD v4.1: 2 of 1,614,038 alleles (0.00012%); highest among the groups gnomAD compares: Middle Eastern, 0.016%; no homozygotes.

Submission:

Ambry Genetics
Classification: Uncertain significance for Inborn genetic diseases. Last evaluated: 2025-06-28. Review status: criteria provided, single submitter. Criteria: Ambry Variant Classification Scheme 2023. Collection method: clinical testing. Allele origin: germline.
Comment: The p.L58P variant (also known as c.173T>C), located in coding exon 1 of the G6PC3 gene, results from a T to C substitution at nucleotide position 173. The leucine at codon 58 is replaced by proline, an amino acid with similar properties. This amino acid position is conserved. In addition, this alteration is predicted to be deleterious by in silico analysis. Based on the available evidence, the clinical significance of this variant remains unclear.